The following is an entry in ClinVar:

NM_014141.6(CNTNAP2):c.3517C>G (p.Pro1173Ala)

Gene: CNTNAP2 (contactin associated protein 2; plus strand). Cytogenetic location: 7q36.1.
Variant type: single nucleotide variant.
Coding change: c.3517C>G on transcript NM_014141.6 (MANE Select); coding-DNA position 3517, C replaced by G.
Protein change: p.Pro1173Ala; replaces proline 1173 with alanine.
Molecular consequence: missense variant.
Genome position (GRCh38, 1-based): chr7:148,383,690, C>G. VCF-style: chr7-148383690-C-G. GRCh37 (hg19) VCF-style: chr7-148080782-C-G.
Other names: short protein forms P1173A.
Identifiers: ClinVar variation 639790 (VCV000639790.1), dbSNP rs772569737, ClinGen allele CA369704245.

ClinVar aggregate classification (germline): Uncertain significance (1 of 4 stars; one submission).

Conditions:
Cortical dysplasia-focal epilepsy syndrome (PTHSL1). Also called: Pitt-Hopkins-like syndrome 1. Identifiers: Orphanet 163681, Orphanet 221150, MedGen C2750246, MONDO:0012400, OMIM 610042.

Submission:

Labcorp Genetics (formerly Invitae), Labcorp
Classification: Uncertain significance for Cortical dysplasia-focal epilepsy syndrome. Last evaluated: 2018-11-07. Review status: criteria provided, single submitter. Criteria: Invitae Variant Classification Sherloc (09022015). Collection method: clinical testing. Allele origin: germline.
Comment: This sequence change replaces proline with alanine at codon 1173 of the CNTNAP2 protein (p.Pro1173Ala). The proline residue is highly conserved and there is a small physicochemical difference between proline and alanine. This variant is not present in population databases (ExAC no frequency). This variant has not been reported in the literature in individuals with CNTNAP2-related disease. Algorithms developed to predict the effect of missense changes on protein structure and function are either unavailable or do not agree on the potential impact of this missense change (SIFT: "Deleterious"; PolyPhen-2: "Benign"; Align-GVGD: "Class C0"). In summary, the available evidence is currently insufficient to determine the role of this variant in disease. Therefore, it has been classified as a Variant of Uncertain Significance.